The following is an entry in ClinVar:

ClinVar aggregate classification (germline): Uncertain significance (1 of 4 stars; one submission).

Conditions:
Hypotonia, infantile, with psychomotor retardation and characteristic facies 1 (INNFD). Identifiers: Orphanet 371364, Orphanet 700336, MedGen C3809454, MONDO:0024567, OMIM 615419.
Congenital contractures of the limbs and face, hypotonia, and developmental delay (CLIFAHDD). Identifiers: Orphanet 562528, MedGen C4225398, MONDO:0014556, OMIM 616266.

Allele frequency attached by ClinVar (database versions not stated): gnomAD 0.00001; TOPMed below 0.00001; ExAC 0.00001.
gnomAD v4.1: 3 of 1,613,980 alleles (0.00019%); highest among the groups gnomAD compares: African/African-American, 0.0013%; no homozygotes.

Submission:

Clinical Genomics Laboratory, Washington University in St. Louis
Classification: Uncertain significance for Congenital contractures of the limbs and face, hypotonia, and developmental delay; Hypotonia, infantile, with psychomotor retardation and characteristic facies 1. Last evaluated: 2023-12-08. Review status: criteria provided, single submitter. Criteria: ACMG Guidelines, 2015. Collection method: clinical testing. Allele origin: germline.
Comment: The NALCN c.427C>T (p.Arg143Trp) variant, to our knowledge, has not been reported in the medical literature. This variant is only observed on 1/251,388 alleles in the general population (gnomAD v.2.1.1), indicating it is not a common variant. Computational predictors indicate that the variant is damaging, evidence that correlates with impact to NALCN function. Due to limited information, and based on ACMG/AMP guidelines for variant interpretation (Richards S et al., PMID: 25741868), the clinical significance of this variant is uncertain at this time.

NM_052867.4(NALCN):c.427C>T (p.Arg143Trp)

Gene: NALCN (sodium leak channel, non-selective; minus strand). Cytogenetic location: 13q33.1.
Variant type: single nucleotide variant.
Coding change: c.427C>T on transcript NM_052867.4 (MANE Select); coding-DNA position 427, C replaced by T.
Protein change: p.Arg143Trp; replaces arginine 143 with tryptophan.
Molecular consequence: missense variant.
Genome position (GRCh38, 1-based): chr13:101,377,005, G>A on the plus strand (C>T on the coding strand, the complement: NALCN is on the minus strand). VCF-style: chr13-101377005-G-A. GRCh37 (hg19) VCF-style: chr13-102029356-G-A.
Other names: c.427C>T, p.Arg143Trp (NM_001350748.2, NM_001350749.2, NM_001350750.2 and 1 more transcripts); short protein forms R143W.
Identifiers: ClinVar variation 3236614 (VCV003236614.1), dbSNP rs755642903, ClinGen allele CA7036464.